The following is an entry in ClinVar:

ClinVar aggregate classification (germline): Benign. Review status: reviewed by expert panel (3 of 4 stars). 11 submissions from 11 submitters: Benign (1). 10 of the submissions do not count toward it. Last evaluated 2024-09-17.

Conditions:
Noonan syndrome and Noonan-related syndrome. Identifiers: Orphanet 98733, MedGen C5681679, MONDO:0020297.
RASopathy. Also called: Noonan spectrum disorder; rasopathies. Identifiers: Orphanet 536391, MedGen C5555857, MONDO:0021060.

Submissions (11):

ClinGen RASopathy Variant Curation Expert Panel
Classification: Benign for RASopathy. Last evaluated: 2024-09-17. Review status: reviewed by expert panel. Criteria: ClinGen RASopathy ACMG Specifications MAP2K1 V2.1.0. Collection method: curation. Allele origin: germline. Inheritance: Autosomal dominant inheritance.
Comment: The c.694-8_694-7dupTC variant is an intronic variant located in intron 6 of the MAP2K1 gene. The filtering allele frequency in gnomAD v4.1.0 is 4.669% (3488/74934 alleles) in the African/African American population, which meets the threshold to apply BA1. The computational predictor SpliceAI predicts no impact on splicing (BP7). This variant has been identified in a patient with an alternate molecular basis for disease (BP5; GeneDx, Partners LMM, EGL genetics internal data 26957, 21766, 500060; ClinVar SCV000111925.5; SCV000204171.4; SCV000207934.6). In summary, this variant meets criteria to be classified as benign for autosomal dominant RASopathies based on the ACMG/AMP criteria applied, as specified by the ClinGen RASopathy Variant Curation Expert Panel: BA1, BP5, BP7 (Specification Version 2.1, 09/17/2024)

Labcorp Genetics (formerly Invitae), Labcorp
Classification: Benign for RASopathy. Last evaluated: 2026-02-04. Review status: criteria provided, single submitter. Criteria: Invitae Variant Classification Sherloc (09022015). Collection method: clinical testing. Allele origin: germline. Not counted in ClinVar's aggregate classification.

ARUP Laboratories, Molecular Genetics and Genomics, ARUP Laboratories
Classification: Benign. Last evaluated: 2025-06-18. Review status: criteria provided, single submitter. Criteria: ARUP Molecular Germline Variant Investigation Process 2024. Collection method: clinical testing. Allele origin: germline. Not counted in ClinVar's aggregate classification.

Genome Diagnostics Laboratory, The Hospital for Sick Children
Classification: Benign for Noonan syndrome and Noonan-related syndrome. Last evaluated: 2018-07-01. Review status: criteria provided, single submitter. Criteria: ACMG Guidelines, 2015. Collection method: clinical testing. Allele origin: germline. Not counted in ClinVar's aggregate classification.

Center for Pediatric Genomic Medicine, Children's Mercy Hospital and Clinics
Classification: Benign. Last evaluated: 2017-01-05. Review status: criteria provided, single submitter. Criteria: ACMG Guidelines, 2015. Collection method: clinical testing. Allele origin: germline. Not counted in ClinVar's aggregate classification.

GeneDx
Classification: Benign. Last evaluated: 2014-06-16. Review status: criteria provided, single submitter. Criteria: GeneDx Variant Classification (06012015). Collection method: clinical testing. Allele origin: germline. Affected: yes. Not counted in ClinVar's aggregate classification.
Comment: This variant is considered likely benign or benign based on one or more of the following criteria: it is a conservative change, it occurs at a poorly conserved position in the protein, it is predicted to be benign by multiple in silico algorithms, and/or has population frequency not consistent with disease.

Eurofins Ntd Llc (ga)
Classification: Benign. Last evaluated: 2013-05-21. Review status: criteria provided, single submitter. Criteria: EGL Classification Definitions. Collection method: clinical testing. Allele origin: germline. Observed: 1 variant allele, 1 heterozygote. Not counted in ClinVar's aggregate classification.

Laboratory for Molecular Medicine, Mass General Brigham Personalized Medicine
Classification: Benign. Last evaluated: 2011-05-05. Review status: criteria provided, single submitter. Criteria: LMM Criteria. Collection method: clinical testing. Allele origin: germline. Observed: 20 variant alleles. Not counted in ClinVar's aggregate classification.
Comment: 694-8_694-7dupTC in intron 6 of MEK1: This variant (rs 113913469, no frequency i nformation) is not expected to have clinical significance because it has been id entified in as many as 0.94% (12/1275) probands including 11.8% (8/68) Black pro bands in our laboratory and is not located in the highly conserved region of the splicing consensus sequence. In addition, it has been identified in four other individuals with clinical features of Noonan spectrum disorders and another path ogenic variant tested by our laboratory.

PreventionGenetics, part of Exact Sciences
Classification: Benign. Review status: criteria provided, single submitter. Criteria: ACMG Guidelines, 2015. Collection method: clinical testing. Allele origin: germline. Not counted in ClinVar's aggregate classification.

Clinical Genetics, Academic Medical Center
Classification: Benign. Review status: no assertion criteria provided. Collection method: clinical testing. Allele origin: germline. Affected: yes. Study: VKGL Data-share Consensus. Not counted in ClinVar's aggregate classification.

Laboratory of Diagnostic Genome Analysis, Leiden University Medical Center (LUMC)
Classification: Likely benign. Review status: no assertion criteria provided. Collection method: clinical testing. Allele origin: germline. Affected: yes. Study: VKGL Data-share Consensus. Not counted in ClinVar's aggregate classification.

Literature cited by the submitters: PubMed 23757202 (cited by Eurofins Ntd Llc (ga)).

NM_002755.4(MAP2K1):c.694-12TC[4]

Gene: MAP2K1 (mitogen-activated protein kinase kinase 1; plus strand). Cytogenetic location: 15q22.31.
Variant type: Microsatellite.
Coding change: c.694-12TC[4] on transcript NM_002755.4 (MANE Select); four copies in a row of the 2-base unit TC starting at c.694-12; the reference has three copies in a row; one copy, 2 bases duplicated.
Molecular consequence: intron variant.
Genome position (GRCh38, 1-based): chr15:66,484,982-66,484,983, TC duplicated; duplicating any 2 consecutive bases within chr15:66,484,978-66,484,983 gives the same sequence; the position shown is the placement nearest the transcript's 3' end. VCF-style (leftmost placement, unchanged base first): chr15-66484977-G-GTC. GRCh37 (hg19) VCF-style: chr15-66777315-G-GTC.
Other names: NM_002755.3(MAP2K1):c.694-8_694-7dupTC; c.694-8_694-7dupTC (NM_002755.3).
Identifiers: ClinVar variation 94082 (VCV000094082.39), dbSNP rs113913469, ClinGen allele CA147595.